The following is an entry in ClinVar:

NM_024408.4(NOTCH2):c.6394AAG[1] (p.Lys2133del)

Gene: NOTCH2 (notch receptor 2; minus strand). Cytogenetic location: 1p12.
Variant type: Microsatellite.
Coding change: c.6394AAG[1] on transcript NM_024408.4 (MANE Select); one copy of the 3-base unit AAG starting at c.6394; the reference has two copies in a row; one copy, 3 bases deleted; also written c.6397_6399del.
Protein change: p.Lys2133del; deletes lysine 2133.
Molecular consequence: inframe deletion.
Genome position (GRCh38, 1-based): chr1:119,916,323-119,916,325, CTT deleted on the plus strand (AAG on the coding strand, the reverse complement: NOTCH2 is on the minus strand); deleting any 3 consecutive bases within chr1:119,916,323-119,916,329 gives the same sequence; the position shown is the placement nearest the transcript's 3' end. VCF-style (leftmost placement, unchanged base first): chr1-119916322-ACTT-A. GRCh37 (hg19) VCF-style: chr1-120458945-ACTT-A.
Other names: c.6397_6399del (NM_024408.4); short protein forms K2133del.
Identifiers: ClinVar variation 2904280 (VCV002904280.4), dbSNP rs1051919344, ClinGen allele CA30313734.

ClinVar aggregate classification (germline): Uncertain significance. Review status: criteria provided, multiple submitters, no conflicts (2 of 4 stars). 2 submissions from 2 submitters: Uncertain significance (2). Last evaluated 2024-02-20.

Conditions:
Hajdu-Cheney syndrome (HJCYS). Also called: ACROOSTEOLYSIS WITH OSTEOPOROSIS AND CHANGES IN SKULL AND MANDIBLE; SERPENTINE FIBULA-POLYCYSTIC KIDNEY SYNDROME; Acroosteolysis dominant type. Identifiers: Orphanet 955, MedGen C0917715, MONDO:0007057, OMIM 102500.
Alagille syndrome due to a NOTCH2 point mutation. Also called: Alagille syndrome 2. Identifiers: Orphanet 261629, Orphanet 52, MedGen C1857761, MONDO:0012439, OMIM 610205.

Submissions (2):

Fulgent Genetics
Classification: Uncertain significance for Hajdu-Cheney syndrome; Alagille syndrome due to a NOTCH2 point mutation. Last evaluated: 2024-02-20. Review status: criteria provided, single submitter. Criteria: ACMG Guidelines, 2015. Collection method: clinical testing. Allele origin: germline.

Labcorp Genetics (formerly Invitae), Labcorp
Classification: Uncertain significance for Hajdu-Cheney syndrome. Last evaluated: 2023-02-01. Review status: criteria provided, single submitter. Criteria: Invitae Variant Classification Sherloc (09022015). Collection method: clinical testing. Allele origin: germline.
Comment: In summary, the available evidence is currently insufficient to determine the role of this variant in disease. Therefore, it has been classified as a Variant of Uncertain Significance. Experimental studies and prediction algorithms are not available or were not evaluated, and the functional significance of this variant is currently unknown. This variant has not been reported in the literature in individuals affected with NOTCH2-related conditions. This variant is present in population databases (no rsID available, gnomAD 0.01%). This variant, c.6397_6399del, results in the deletion of 1 amino acid(s) of the NOTCH2 protein (p.Lys2133del), but otherwise preserves the integrity of the reading frame.